The following is an entry in ClinVar:

NM_001378454.1(ALMS1):c.11785_11792delinsCCGGAAT (p.Ser3929fs)

Gene: ALMS1 (ALMS1 centrosome and basal body associated protein; plus strand). Cytogenetic location: 2p13.1.
Variant type: Indel.
Coding change: c.11785_11792delinsCCGGAAT on transcript NM_001378454.1 (MANE Select); coding-DNA positions 11785 to 11792, TCAGAAGA replaced by CCGGAAT.
Protein change: p.Ser3929fs; shifts the reading frame from serine 3929.
Molecular consequence: frameshift variant.
Genome position (GRCh38, 1-based): chr2:73,600,794-73,600,801, TCAGAAGA replaced by CCGGAAT. VCF-style: chr2-73600794-TCAGAAGA-CCGGAAT. GRCh37 (hg19) VCF-style: chr2-73827921-TCAGAAGA-CCGGAAT.
Other names: c.11788_11795delinsCCGGAAT, p.Ser3930fs (NM_015120.4); short protein forms S3929fs, S3930fs.
Identifiers: ClinVar variation 970251 (VCV000970251.7), dbSNP rs1675665426, ClinGen allele CA1139657123.

ClinVar aggregate classification (germline): Pathogenic (1 of 4 stars; one submission).

Conditions:
Alstrom syndrome (ALMS). Identifiers: Orphanet 64, MedGen C0268425, MONDO:0008763, OMIM 203800.

Submission:

Labcorp Genetics (formerly Invitae), Labcorp
Classification: Pathogenic for Alstrom syndrome. Last evaluated: 2024-12-31. Review status: criteria provided, single submitter. Criteria: Invitae Variant Classification Sherloc (09022015). Collection method: clinical testing. Allele origin: germline.
Comment: This sequence change creates a premature translational stop signal (p.Ser3930Profs*3) in the ALMS1 gene. It is expected to result in an absent or disrupted protein product. Loss-of-function variants in ALMS1 are known to be pathogenic (PMID: 17594715). Information on the frequency of this variant in the gnomAD database is not available, as this variant may be reported differently in the database. This variant has not been reported in the literature in individuals affected with ALMS1-related conditions. For these reasons, this variant has been classified as Pathogenic.

Literature cited by the submitters: PubMed 17594715.